The following is an entry in ClinVar:

NM_005518.4(HMGCS2):c.245G>A (p.Gly82Glu)

Gene: HMGCS2 (3-hydroxy-3-methylglutaryl-CoA synthase 2; minus strand). Cytogenetic location: 1p12.
Variant type: single nucleotide variant.
Coding change: c.245G>A on transcript NM_005518.4 (MANE Select); coding-DNA position 245, G replaced by A.
Protein change: p.Gly82Glu; replaces glycine 82 with glutamic acid.
Molecular consequence: missense variant.
Genome position (GRCh38, 1-based): chr1:119,764,486, C>T on the plus strand (G>A on the coding strand, the complement: HMGCS2 is on the minus strand). VCF-style: chr1-119764486-C-T. GRCh37 (hg19) VCF-style: chr1-120307109-C-T.
Other names: c.245G>A, p.Gly82Glu (NM_001166107.1); short protein forms G82E.
Identifiers: ClinVar variation 1026454 (VCV001026454.9), dbSNP rs1653149765, ClinGen allele CA341866618.

ClinVar aggregate classification (germline): Uncertain significance (1 of 4 stars; one submission).

Conditions:
3-hydroxy-3-methylglutaryl-CoA synthase deficiency (HMGCS2D). Also called: MITOCHONDRIAL HMG-CoA SYNTHASE DEFICIENCY; HMG-CoA synthase-2 deficiency; HMGCS2 DEFICIENCY. Identifiers: Orphanet 35701, MedGen C2751532, MONDO:0011614, OMIM 605911.

Allele frequency attached by ClinVar (database versions not stated): gnomAD exomes below 0.00001.

Submission:

Labcorp Genetics (formerly Invitae), Labcorp
Classification: Uncertain significance for 3-hydroxy-3-methylglutaryl-CoA synthase deficiency. Last evaluated: 2023-03-23. Review status: criteria provided, single submitter. Criteria: Invitae Variant Classification Sherloc (09022015). Collection method: clinical testing. Allele origin: germline.
Comment: This sequence change replaces glycine, which is neutral and non-polar, with glutamic acid, which is acidic and polar, at codon 82 of the HMGCS2 protein (p.Gly82Glu). This variant is not present in population databases (gnomAD no frequency). This variant has not been reported in the literature in individuals affected with HMGCS2-related conditions. ClinVar contains an entry for this variant (Variation ID: 1026454). Advanced modeling of protein sequence and biophysical properties (such as structural, functional, and spatial information, amino acid conservation, physicochemical variation, residue mobility, and thermodynamic stability) has been performed at Invitae for this missense variant, however the output from this modeling did not meet the statistical confidence thresholds required to predict the impact of this variant on HMGCS2 protein function. In summary, the available evidence is currently insufficient to determine the role of this variant in disease. Therefore, it has been classified as a Variant of Uncertain Significance.